The following is an entry in ClinVar:

NM_000637.5(GSR):c.698G>A (p.Arg233His)

Gene: GSR (glutathione-disulfide reductase; minus strand). Cytogenetic location: 8p12.
Variant type: single nucleotide variant.
Coding change: c.698G>A on transcript NM_000637.5 (MANE Select); coding-DNA position 698, G replaced by A.
Protein change: p.Arg233His; replaces arginine 233 with histidine.
Molecular consequence: missense variant.
Genome position (GRCh38, 1-based): chr8:30,696,477, C>T on the plus strand (G>A on the coding strand, the complement: GSR is on the minus strand). VCF-style: chr8-30696477-C-T. GRCh37 (hg19) VCF-style: chr8-30553994-C-T.
Other names: p.Arg233His; c.698G>A, p.Arg233His (NM_001195102.3, NM_001195103.3, NM_001195104.3); short protein forms R233H.
Identifiers: ClinVar variation 993877 (VCV000993877.14), dbSNP rs750234827, ClinGen allele CA4701407.

ClinVar aggregate classification (germline): Uncertain significance. Review status: criteria provided, multiple submitters, no conflicts (2 of 4 stars). 3 submissions from 3 submitters: Uncertain significance (3). Last evaluated 2024-10-01.

Conditions:
Hemolytic anemia due to glutathione reductase deficiency (CNSHA10). Also called: ANEMIA, CONGENITAL, NONSPHEROCYTIC HEMOLYTIC, 10. Identifiers: Orphanet 90030, MedGen C5231513, MONDO:0019531, OMIM 618660.

Allele frequency attached by ClinVar (database versions not stated): TOPMed 0.00003; ExAC 0.00007.
gnomAD v4.1: 110 of 1,601,504 alleles (0.0069%); highest among the groups gnomAD compares: East Asian, 0.038%; 1 homozygote.

Submissions (3):

Mayo Clinic Laboratories, Mayo Clinic
Classification: Uncertain significance. Last evaluated: 2024-10-01. Review status: criteria provided, single submitter. Criteria: ACMG Guidelines, 2015. Collection method: clinical testing. Allele origin: germline. Observed: 2 variant alleles.
Comment: PM2_moderate

Labcorp Genetics (formerly Invitae), Labcorp
Classification: Uncertain significance. Last evaluated: 2022-11-01. Review status: criteria provided, single submitter. Criteria: Invitae Variant Classification Sherloc (09022015). Collection method: clinical testing. Allele origin: germline.
Comment: This sequence change replaces arginine, which is basic and polar, with histidine, which is basic and polar, at codon 233 of the GSR protein (p.Arg233His). This variant is present in population databases (rs750234827, gnomAD 0.03%). This variant has not been reported in the literature in individuals affected with GSR-related conditions. ClinVar contains an entry for this variant (Variation ID: 993877). Algorithms developed to predict the effect of missense changes on protein structure and function (SIFT, PolyPhen-2, Align-GVGD) all suggest that this variant is likely to be tolerated. In summary, the available evidence is currently insufficient to determine the role of this variant in disease. Therefore, it has been classified as a Variant of Uncertain Significance.

ARUP Laboratories, Molecular Genetics and Genomics, ARUP Laboratories
Classification: Uncertain significance for Hemolytic anemia due to glutathione reductase deficiency. Last evaluated: 2020-01-02. Review status: criteria provided, single submitter. Criteria: ARUP Molecular Germline Variant Investigation Process. Collection method: clinical testing. Allele origin: germline.

Literature cited by the submitters: PubMed 35361806 (cited by Mayo Clinic Laboratories, Mayo Clinic).